The following is an entry in ClinVar:

ClinVar aggregate classification (germline): Conflicting classifications of pathogenicity. Review status: criteria provided, conflicting classifications (1 of 4 stars). 2 submissions from 2 submitters: Uncertain significance (1); Likely benign (1). Last evaluated 2025-10-05.

Conditions:
Tuberous sclerosis 1 (TSC1). Identifiers: Orphanet 805, MedGen C1854465, MONDO:0008612, OMIM 191100.
Hereditary cancer-predisposing syndrome. Also called: Hereditary neoplastic syndrome; Tumor predisposition; Neoplastic Syndromes, Hereditary; Hereditary Cancer Syndrome. Identifiers: Orphanet 140162, MedGen C0027672, MeSH D009386, MONDO:0015356.

Allele frequency attached by ClinVar (database versions not stated): gnomAD exomes 0.00001; ExAC 0.00002.
gnomAD v4.1: 11 of 1,614,000 alleles (0.00068%); highest among the groups gnomAD compares: South Asian, 0.011%; no homozygotes.

Submissions (2):

Ambry Genetics
Classification: Uncertain significance for Hereditary cancer-predisposing syndrome. Last evaluated: 2025-10-05. Review status: criteria provided, single submitter. Criteria: Ambry Variant Classification Scheme 2023. Collection method: clinical testing. Allele origin: germline.
Comment: The p.L978R variant (also known as c.2933T>G), located in coding exon 20 of the TSC1 gene, results from a T to G substitution at nucleotide position 2933. The leucine at codon 978 is replaced by arginine, an amino acid with dissimilar properties. This amino acid position is highly conserved in available vertebrate species. In addition, the in silico prediction for this alteration is inconclusive. Since supporting evidence is limited at this time, the clinical significance of this alteration remains unclear.

Labcorp Genetics (formerly Invitae), Labcorp
Classification: Likely benign for Tuberous sclerosis 1. Last evaluated: 2025-08-13. Review status: criteria provided, single submitter. Criteria: Invitae Variant Classification Sherloc (09022015). Collection method: clinical testing. Allele origin: germline.

NM_000368.5(TSC1):c.2933T>G (p.Leu978Arg)

Gene: TSC1 (TSC complex subunit 1; minus strand). Cytogenetic location: 9q34.13.
Variant type: single nucleotide variant.
Coding change: c.2933T>G on transcript NM_000368.5 (MANE Select); coding-DNA position 2933, T replaced by G.
Protein change: p.Leu978Arg; replaces leucine 978 with arginine.
Molecular consequence: missense variant.
Genome position (GRCh38, 1-based): chr9:132,897,226, A>C on the plus strand (T>G on the coding strand, the complement: TSC1 is on the minus strand). VCF-style: chr9-132897226-A-C. GRCh37 (hg19) VCF-style: chr9-135772613-A-C.
Other names: c.2930T>G, p.Leu977Arg (NM_001162426.2); c.2780T>G, p.Leu927Arg (NM_001162427.2); c.2570T>G, p.Leu857Arg (NM_001362177.2); short protein forms L978R, L977R, L857R, L927R.
Identifiers: ClinVar variation 428188 (VCV000428188.11), dbSNP rs770834438, ClinGen allele CA035096.
Genomic context (GRCh38, chr9:132,897,226, plus strand): 5'-TCAGTTCTTTGTTCCTACCTTTCTTCTGCTGCTTCAGCTGCTTCTGCTTTTTCTTCTTCA[A>C]GTTTTTTCAGGAGGCCATCTTTCTCCAACCTGCCATATAAATCTAAGATCTCCAATTCAA-3'
Protein context (NP_000359.1, residues 968-988): RLEKDGLLKK[Leu978Arg]EEEKAEAAEA